The following is an entry in ClinVar:

NM_001283009.2(RTEL1):c.1922T>C (p.Val641Ala)

Genes: RTEL1 (regulator of telomere elongation helicase 1; plus strand), RTEL1-TNFRSF6B (RTEL1-TNFRSF6B readthrough (NMD candidate); plus strand). Cytogenetic location: 20q13.33.
Variant type: single nucleotide variant.
Coding change: c.1922T>C on transcript NM_001283009.2 (MANE Select); coding-DNA position 1922, T replaced by C.
Protein change: p.Val641Ala; replaces valine 641 with alanine.
Molecular consequence: missense variant. On other transcripts: non-coding transcript variant (1).
Genome position (GRCh38, 1-based): chr20:63,689,545, T>C. VCF-style: chr20-63689545-T-C. GRCh37 (hg19) VCF-style: chr20-62320898-T-C.
Other names: c.1253T>C, p.Val418Ala (NM_001283010.1); c.1922T>C, p.Val641Ala (NM_016434.4); c.1994T>C, p.Val665Ala (NM_032957.5); short protein forms V418A, V641A, V665A.
Identifiers: ClinVar variation 4786750 (VCV004786750.1).

ClinVar aggregate classification (germline): Uncertain significance (1 of 4 stars; one submission).

Conditions:
Pulmonary fibrosis and/or bone marrow failure, Telomere-related, 3. Also called: PULMONARY FIBROSIS AND/OR BONE MARROW FAILURE SYNDROME, TELOMERE-RELATED, 3. Identifiers: Orphanet 2032, MedGen C4225346, MONDO:0014613, OMIM 616373.
Dyskeratosis congenita, autosomal recessive 5 (DKCB5). Identifiers: MedGen C3554656, MONDO:0014076, OMIM 615190.

Submission:

Labcorp Genetics (formerly Invitae), Labcorp
Classification: Uncertain significance for Dyskeratosis congenita, autosomal recessive 5; Pulmonary fibrosis and/or bone marrow failure, Telomere-related, 3. Last evaluated: 2025-12-11. Review status: criteria provided, single submitter. Criteria: Invitae Variant Classification Sherloc (09022015). Collection method: clinical testing. Allele origin: germline.
Comment: This sequence change replaces valine, which is neutral and non-polar, with alanine, which is neutral and non-polar, at codon 641 of the RTEL1 protein (p.Val641Ala). This variant is not present in population databases (gnomAD no frequency). This variant has not been reported in the literature in individuals affected with RTEL1-related conditions. An algorithm developed to predict the effect of missense changes on protein structure and function (PolyPhen-2) suggests that this variant is likely to be disruptive. In summary, the available evidence is currently insufficient to determine the role of this variant in disease. Therefore, it has been classified as a Variant of Uncertain Significance.